The following is an entry in ClinVar:

ClinVar aggregate classification (germline): Uncertain significance. Review status: criteria provided, multiple submitters, no conflicts (2 of 4 stars). 2 submissions from 2 submitters: Uncertain significance (2). Last evaluated 2026-08-31.

Conditions:
Hereditary cancer-predisposing syndrome. Also called: Neoplastic Syndromes, Hereditary; Hereditary neoplastic syndrome; Hereditary Cancer Syndrome; Tumor predisposition. Identifiers: Orphanet 140162, MedGen C0027672, MeSH D009386, MONDO:0015356.
Familial cancer of breast. Also called: hereditary breast carcinoma; Hereditary breast cancer; BREAST CANCER, FAMILIAL. Identifiers: Orphanet 227535, MedGen C0346153, MONDO:0016419, OMIM 114480. Disease mechanism: loss of function.
Fanconi anemia complementation group J. Also called: BRIP1-Related Fanconi Anemia. Identifiers: Orphanet 84, MedGen C1836860, MONDO:0012187, OMIM 609054.

Submissions (2):

Ambry Genetics
Classification: Uncertain significance for Hereditary cancer-predisposing syndrome. Last evaluated: 2026-08-31. Review status: criteria provided, single submitter. Criteria: Ambry Variant Classification Scheme 2023. Collection method: clinical testing. Allele origin: germline.
Comment: The p.I896L variant (also known as c.2686A>C), located in coding exon 18 of the BRIP1 gene, results from an A to C substitution at nucleotide position 2686. The isoleucine at codon 896 is replaced by leucine, an amino acid with highly similar properties. This amino acid position is conserved. In addition, this alteration is predicted to be tolerated by in silico analysis. Based on the available evidence, the clinical significance of this variant remains unclear.

Labcorp Genetics (formerly Invitae), Labcorp
Classification: Uncertain significance for Familial cancer of breast; Fanconi anemia complementation group J. Last evaluated: 2017-05-23. Review status: criteria provided, single submitter. Criteria: Invitae Variant Classification Sherloc (09022015). Collection method: clinical testing. Allele origin: germline.
Comment: This variant is not present in population databases (ExAC no frequency). In summary, this variant has uncertain impact on BRIP1 function. The available evidence is currently insufficient to determine its role in disease. Therefore, it has been classified as a Variant of Uncertain Significance. Algorithms developed to predict the effect of missense changes on protein structure and function (SIFT, PolyPhen-2, Align-GVGD) all suggest that this variant is likely to be tolerated, but these predictions have not been confirmed by published functional studies and their clinical significance is uncertain. This variant has not been reported in the literature in individuals with a BRIP1-related disease. This sequence change replaces isoleucine with leucine at codon 896 of the BRIP1 protein (p.Ile896Leu). The isoleucine residue is weakly conserved and there is a small physicochemical difference between isoleucine and leucine.

NM_032043.3(BRIP1):c.2686A>C (p.Ile896Leu)

Gene: BRIP1 (BRCA1 interacting DNA helicase 1; minus strand). Cytogenetic location: 17q23.2.
Variant type: single nucleotide variant.
Coding change: c.2686A>C on transcript NM_032043.3 (MANE Select); coding-DNA position 2686, A replaced by C.
Protein change: p.Ile896Leu; replaces isoleucine 896 with leucine.
Molecular consequence: missense variant.
Genome position (GRCh38, 1-based): chr17:61,686,055, T>G on the plus strand (A>C on the coding strand, the complement: BRIP1 is on the minus strand). VCF-style: chr17-61686055-T-G. GRCh37 (hg19) VCF-style: chr17-59763416-T-G.
Other names: short protein forms I896L.
Identifiers: ClinVar variation 461124 (VCV000461124.10), dbSNP rs764406913, ClinGen allele CA400481761.